The following is an entry in ClinVar:

ClinVar aggregate classification (germline): Pathogenic/Likely pathogenic. Review status: criteria provided, multiple submitters, no conflicts (2 of 4 stars). 3 submissions from 3 submitters: Pathogenic (2); Likely pathogenic (1). Last evaluated 2022-12-06.

Conditions:
Bethlem myopathy 1A. Also called: Bethlem Muscular Dystrophy; MYOPATHY, BENIGN CONGENITAL, WITH CONTRACTURES; Bethlem myopathy 1. Identifiers: Orphanet 610, MedGen CN029274, MONDO:0024530, OMIM 158810.

Submissions (3):

Labcorp Genetics (formerly Invitae), Labcorp
Classification: Pathogenic for Bethlem myopathy 1A. Last evaluated: 2022-12-06. Review status: criteria provided, single submitter. Criteria: Invitae Variant Classification Sherloc (09022015). Collection method: clinical testing. Allele origin: germline.
Comment: For these reasons, this variant has been classified as Pathogenic. This variant disrupts the triple helix domain of COL6A3. Glycine residues within the Gly-Xaa-Yaa repeats of the triple helix domain are required for the structure and stability of fibrillar collagens (PMID: 7695699, 8218237, 19344236). In COL6A3, missense variants at these glycine residues are significantly enriched in individuals with autosomal dominant disease (PMID: 15689448, 24038877) compared to the general population (ExAC). ClinVar contains an entry for this variant (Variation ID: 476546). This missense change has been observed in individual(s) with autosomal dominant COL6A3-related conditions (PMID: 24038877, 24907562). In at least one individual the variant was observed to be de novo. This variant is not present in population databases (gnomAD no frequency). This sequence change replaces glycine, which is neutral and non-polar, with aspartic acid, which is acidic and polar, at codon 2077 of the COL6A3 protein (p.Gly2077Asp). Advanced modeling of protein sequence and biophysical properties (such as structural, functional, and spatial information, amino acid conservation, physicochemical variation, residue mobility, and thermodynamic stability) performed at Invitae indicates that this missense variant is expected to disrupt COL6A3 protein function.

Revvity Omics, Revvity
Classification: Likely pathogenic. Last evaluated: 2019-04-10. Review status: criteria provided, single submitter. Criteria: ACMG Guidelines, 2015. Collection method: clinical testing. Allele origin: germline.

Eurofins Ntd Llc (ga)
Classification: Pathogenic. Last evaluated: 2017-03-27. Review status: criteria provided, single submitter. Criteria: EGL Classification Definitions 2015. Collection method: clinical testing. Allele origin: germline. Observed: 1 variant allele, 1 heterozygote.

Literature cited by the submitters: PubMed 7695699 (cited by Labcorp Genetics (formerly Invitae), Labcorp); PubMed 8218237 (cited by Labcorp Genetics (formerly Invitae), Labcorp); PubMed 19344236 (cited by Labcorp Genetics (formerly Invitae), Labcorp); PubMed 15689448 (cited by Labcorp Genetics (formerly Invitae), Labcorp); PubMed 24038877 (cited by Labcorp Genetics (formerly Invitae), Labcorp and Eurofins Ntd Llc (ga)); PubMed 24907562 (cited by Labcorp Genetics (formerly Invitae), Labcorp).

NM_004369.4(COL6A3):c.6230G>A (p.Gly2077Asp)

Gene: COL6A3 (collagen type VI alpha 3 chain; minus strand). Cytogenetic location: 2q37.3.
Variant type: single nucleotide variant.
Coding change: c.6230G>A on transcript NM_004369.4 (MANE Select); coding-DNA position 6230, G replaced by A.
Protein change: p.Gly2077Asp; replaces glycine 2077 with aspartic acid.
Molecular consequence: missense variant.
Genome position (GRCh38, 1-based): chr2:237,360,140, C>T on the plus strand (G>A on the coding strand, the complement: COL6A3 is on the minus strand). VCF-style: chr2-237360140-C-T. GRCh37 (hg19) VCF-style: chr2-238268783-C-T.
Other names: c.4409G>A, p.Gly1470Asp (NM_057166.5); c.5612G>A, p.Gly1871Asp (NM_057167.4); short protein forms G2077D, G1470D, G1871D.
Identifiers: ClinVar variation 476546 (VCV000476546.19), dbSNP rs1553553646, ClinGen allele CA351216671.